The following is an entry in ClinVar:

NM_206926.2(SELENON):c.-14C>A

Gene: SELENON (selenoprotein N; plus strand). Cytogenetic location: 1p36.11.
Variant type: single nucleotide variant.
Coding change: c.-14C>A on transcript NM_206926.2 (MANE Select); 14 bases upstream of the start codon, C replaced by A.
Molecular consequence: 5 prime UTR variant.
Genome position (GRCh38, 1-based): chr1:25,800,217, C>A. VCF-style: chr1-25800217-C-A. GRCh37 (hg19) VCF-style: chr1-26126708-C-A.
Other names: c.-14C>A (NM_020451.3).
Identifiers: ClinVar variation 297022 (VCV000297022.11), dbSNP rs867555591, ClinGen allele CA10609759.

ClinVar aggregate classification (germline): Uncertain significance. Review status: criteria provided, multiple submitters, no conflicts (2 of 4 stars). 3 submissions from 3 submitters: Uncertain significance (2). 1 of the submissions does not count toward it. Last evaluated 2018-01-13.

Conditions:
SELENON-related disorder. Also called: SELENON-related condition.
SEPN1-related disorder. Also called: SEPN1-Related Disorders. Identifiers: MedGen CN239420.

Allele frequency attached by ClinVar (database versions not stated): 1000 Genomes Project 30x 0.00453; gnomAD 0.00642.
gnomAD v4.1: 1,058 of 672,744 alleles (0.16%); highest among the groups gnomAD compares: African/African-American, 1.9%; 12 homozygotes.

Submissions (3):

Illumina Laboratory Services, Illumina
Classification: Uncertain significance for SEPN1-Related Disorders. Last evaluated: 2018-01-13. Review status: criteria provided, single submitter. Criteria: ICSL Variant Classification Criteria 13 December 2019. Collection method: clinical testing. Allele origin: germline.

Eurofins Ntd Llc (ga)
Classification: Uncertain significance. Last evaluated: 2016-12-20. Review status: criteria provided, single submitter. Criteria: EGL Classification Definitions 2015. Collection method: clinical testing. Allele origin: germline. Observed: 1 variant allele, 1 heterozygote.

PreventionGenetics, part of Exact Sciences
Classification: Benign for SELENON-related condition. Last evaluated: 2021-11-11. Review status: no assertion criteria provided. Collection method: clinical testing. Allele origin: germline. Not counted in ClinVar's aggregate classification.
Comment: This variant is classified as benign based on ACMG/AMP sequence variant interpretation guidelines (Richards et al. 2015 PMID: 25741868, with internal and published modifications).